The following is an entry in ClinVar:

ClinVar aggregate classification (germline): Benign. Review status: criteria provided, multiple submitters, no conflicts (2 of 4 stars). 2 submissions from 2 submitters: Benign (2). Last evaluated 2018-06-14.

Allele frequency attached by ClinVar (database versions not stated): gnomAD exomes 0.00484; ExAC 0.00588; ESP Exome Variant Server 0.01764; gnomAD 0.01820 and 0.01952; TOPMed 0.02076; 1000 Genomes Project 30x 0.02124; 1000 Genomes Project 0.02137.
gnomAD v4.1: 5,372 of 1,553,152 alleles (0.35%); highest among the groups gnomAD compares: African/African-American, 6.4%; 157 homozygotes.

Submissions (2):

GeneDx
Classification: Benign. Last evaluated: 2018-06-14. Review status: criteria provided, single submitter. Criteria: GeneDx Variant Classification (06012015). Collection method: clinical testing. Allele origin: germline. Affected: yes.
Comment: This variant is considered likely benign or benign based on one or more of the following criteria: it is a conservative change, it occurs at a poorly conserved position in the protein, it is predicted to be benign by multiple in silico algorithms, and/or has population frequency not consistent with disease.

Breakthrough Genomics
Classification: Benign. Review status: criteria provided, single submitter. Criteria: ACMG Guidelines, 2015. Collection method: not provided. Allele origin: germline. Inheritance: Autosomal dominant inheritance. Affected: yes.

NM_001035.3(RYR2):c.10494+23C>T

Gene: RYR2 (ryanodine receptor 2; plus strand). Cytogenetic location: 1q43.
Variant type: single nucleotide variant.
Coding change: c.10494+23C>T on transcript NM_001035.3 (MANE Select); 23 bases into the intron after coding-DNA position 10494, C replaced by T.
Molecular consequence: intron variant.
Genome position (GRCh38, 1-based): chr1:237,717,391, C>T. VCF-style: chr1-237717391-C-T. GRCh37 (hg19) VCF-style: chr1-237880691-C-T.
Identifiers: ClinVar variation 671445 (VCV000671445.2), dbSNP rs78665423, ClinGen allele CA084337.